The following is an entry in ClinVar:

ClinVar aggregate classification (germline): Uncertain significance (1 of 4 stars; one submission).

Submission:

Labcorp Genetics (formerly Invitae), Labcorp
Classification: Uncertain significance. Last evaluated: 2021-05-20. Review status: criteria provided, single submitter. Criteria: Invitae Variant Classification Sherloc (09022015). Collection method: clinical testing. Allele origin: germline.
Comment: In summary, the available evidence is currently insufficient to determine the role of this variant in disease. Therefore, it has been classified as a Variant of Uncertain Significance. Algorithms developed to predict the effect of missense changes on protein structure and function output the following: SIFT: "Deleterious"; PolyPhen-2: "Benign"; Align-GVGD: "Class C0". The glutamic acid amino acid residue is found in multiple mammalian species, suggesting that this missense change does not adversely affect protein function. These predictions have not been confirmed by published functional studies and their clinical significance is uncertain. This variant has not been reported in the literature in individuals with CFH-related conditions. This variant is not present in population databases (ExAC no frequency). This sequence change replaces aspartic acid with glutamic acid at codon 248 of the CFH protein (p.Asp248Glu). The aspartic acid residue is weakly conserved and there is a small physicochemical difference between aspartic acid and glutamic acid.

NM_000186.4(CFH):c.744T>A (p.Asp248Glu)

Gene: CFH (complement factor H; plus strand). Cytogenetic location: 1q31.3.
Variant type: single nucleotide variant.
Coding change: c.744T>A on transcript NM_000186.4 (MANE Select); coding-DNA position 744, T replaced by A.
Protein change: p.Asp248Glu; replaces aspartic acid 248 with glutamic acid.
Molecular consequence: missense variant.
Genome position (GRCh38, 1-based): chr1:196,679,747, T>A. VCF-style: chr1-196679747-T-A. GRCh37 (hg19) VCF-style: chr1-196648877-T-A.
Other names: c.744T>A, p.Asp248Glu (NM_001014975.3); short protein forms D248E.
Identifiers: ClinVar variation 1355483 (VCV001355483.8), dbSNP rs1317844596, ClinGen allele CA343978047.